The following is an entry in ClinVar:

ClinVar aggregate classification (germline): Pathogenic. Review status: criteria provided, multiple submitters, no conflicts (2 of 4 stars). 2 submissions from 2 submitters: Pathogenic (2). Last evaluated 2025-05-15.

Conditions:
Neurofibromatosis, type 1 (NF1). Also called: Neurofibromatosis, type I; NEUROFIBROMATOSIS, TYPE I, SOMATIC; VON RECKLINGHAUSEN DISEASE; Peripheral type neurofibromatosis. Identifiers: Orphanet 636, MedGen C0027831, MONDO:0018975, OMIM 162200. Disease mechanism: loss of function.

Submissions (2):

GeneDx
Classification: Pathogenic. Last evaluated: 2025-05-15. Review status: criteria provided, single submitter. Criteria: GeneDx Variant Classification Process June 2021. Collection method: clinical testing. Allele origin: germline. Affected: yes.
Comment: Frameshift variant predicted to result in protein truncation or nonsense mediated decay in a gene for which loss of function is a known mechanism of disease; Not observed at significant frequency in large population cohorts (gnomAD); This variant is associated with the following publications: (PMID: 38226287)

Department of Paediatric Medicine, Post Graduation Institute of Medical Education and Research
Classification: Pathogenic for Neurofibromatosis, type 1. Last evaluated: 2023-07-21. Review status: criteria provided, single submitter. Criteria: ACMG Guidelines, 2015. Collection method: clinical testing. Allele origin: de novo. Inheritance: Autosomal dominant inheritance. Affected: yes. Observed: 1 variant allele, 1 heterozygote.
Comment: A Heterozygous Frameshift variant c.6291delT in Exon 41 of the NF1 gene that results in the amino acid substitution p.Arg2098fs*31 was identified. The observed variant is novel in gnomAD exomes and genomes, respectively. The severity of the impact of this variant on the protein is high, based on the effect of the protein and REVEL score . Rare Exome Variant Ensemble Learner (REVEL) is an ensembl method for predicting the pathogenicity of missense variants based on a combination of scores from 13 individual tools: MutPred, FATHMM v2.3, VEST 3.0, PolyPhen-2, SIFT, PROVEAN, MutationAssessor, MutationTaster, LRT, GERP++, SiPhy, phyloP, and phastCons. The REVEL score for an individual missense variant can range from 0 to 1, with higher scores reflecting greater likelihood that the variant is disease-causing

NM_001042492.3(NF1):c.6354del (p.Arg2119fs)

Gene: NF1 (neurofibromin 1; plus strand). Cytogenetic location: 17q11.2.
Variant type: Deletion.
Coding change: c.6354del on transcript NM_001042492.3 (MANE Select); coding-DNA position 6354, one base deleted (T; older notation c.6354delT).
Protein change: p.Arg2119fs; shifts the reading frame from arginine 2119.
Molecular consequence: frameshift variant.
Genome position (GRCh38, 1-based): chr17:31,336,841, T deleted; the last of 2 consecutive T bases (chr17:31,336,840-31,336,841); deleting either gives the same sequence. VCF-style (leftmost placement, unchanged base first): chr17-31336839-CT-C. GRCh37 (hg19) VCF-style: chr17-29663857-CT-C.
Other names: c.6291delT (NM_000267.3); c.6291delT, p.Arg2098Glufs (NM_000267.4); short protein forms R2098fs, R2119fs.
Identifiers: ClinVar variation 2573148 (VCV002573148.3), dbSNP rs2151554936, ClinGen allele CA2580614092.
Genomic context (GRCh38, chr17:31,336,839, plus strand): 5'-GCTCATCTTCCCTACCTCTTCCACGTTGTTACTTTCTTAGTAGCCACAGGTCCGCTCTCC[CT>C]TAGAGCTTCCACACATGGACTGGTCATTAATATCATTCACTCTCTGTGTACTTGTTCACA-3'